The following is an entry in ClinVar:

ClinVar aggregate classification (germline): Uncertain significance (1 of 4 stars; one submission).

Submission:

Labcorp Genetics (formerly Invitae), Labcorp
Classification: Uncertain significance. Last evaluated: 2022-10-14. Review status: criteria provided, single submitter. Criteria: Invitae Variant Classification Sherloc (09022015). Collection method: clinical testing. Allele origin: germline.
Comment: This variant, c.4376_4378dup, results in the insertion of 1 amino acid(s) of the COL11A2 protein (p.Gly1459_Pro1460insArg), but otherwise preserves the integrity of the reading frame. This variant is present in population databases (no rsID available, gnomAD 0.0009%). This variant has not been reported in the literature in individuals affected with COL11A2-related conditions. In summary, the available evidence is currently insufficient to determine the role of this variant in disease. Therefore, it has been classified as a Variant of Uncertain Significance.

NM_080680.3(COL11A2):c.4376_4378dup (p.Gly1459_Pro1460insArg)

Gene: COL11A2 (collagen type XI alpha 2 chain; minus strand). Cytogenetic location: 6p21.32.
Variant type: Duplication.
Coding change: c.4376_4378dup on transcript NM_080680.3 (MANE Select); coding-DNA positions 4376 to 4378, 3 bases duplicated (GTC; older notation c.4376_4378dupGTC).
Protein change: p.Gly1459_Pro1460insArg.
Molecular consequence: inframe insertion.
Genome position (GRCh38, 1-based): chr6:33,166,527-33,166,529, GAC duplicated on the plus strand (GTC on the coding strand, the reverse complement: COL11A2 is on the minus strand). VCF-style (leftmost placement, unchanged base first): chr6-33166526-G-GGAC. GRCh37 (hg19) VCF-style: chr6-33134303-G-GGAC.
Other names: c.4055_4057dup, p.Gly1352_Pro1353insArg (NM_080679.3); c.4118_4120dup, p.Gly1373_Pro1374insArg (NM_080681.3).
Identifiers: ClinVar variation 2035582 (VCV002035582.4), dbSNP rs1562310509, ClinGen allele CA566425462.